The following is an entry in ClinVar:

NM_007074.4(CORO1A):c.339T>G (p.Asp113Glu)

Gene: CORO1A (coronin 1A; plus strand). Cytogenetic location: 16p11.2.
Variant type: single nucleotide variant.
Coding change: c.339T>G on transcript NM_007074.4 (MANE Select); coding-DNA position 339, T replaced by G.
Protein change: p.Asp113Glu; replaces aspartic acid 113 with glutamic acid.
Molecular consequence: missense variant.
Genome position (GRCh38, 1-based): chr16:30,186,833, T>G. VCF-style: chr16-30186833-T-G. GRCh37 (hg19) VCF-style: chr16-30198154-T-G.
Other names: c.339T>G, p.Asp113Glu (NM_001193333.3); short protein forms D113E.
Identifiers: ClinVar variation 848350 (VCV000848350.10), dbSNP rs2073340380, ClinGen allele CA395492930.
Genomic context (GRCh38, chr16:30,186,833, plus strand): 5'-TGACATTTGGAGTCCTGAAGACTCACTGGCCCCTCCTCTGCAGGTGTGGGAGATCCCAGA[T>G]GGGGGCCTGATGCTGCCCCTGCGGGAGCCCGTCGTCACCCTGGAGGGCCACACCAAGCGT-3'
Protein context (NP_009005.1, residues 103-123): DCTVMVWEIP[Asp113Glu]GGLMLPLREP

ClinVar aggregate classification (germline): Uncertain significance (1 of 4 stars; one submission).

Conditions:
Severe combined immunodeficiency due to CORO1A deficiency. Also called: IMMUNODEFICIENCY 8 WITH LYMPHOPROLIFERATION; Immunodeficiency 8. Identifiers: Orphanet 228003, MedGen C3809383, MONDO:0014168, OMIM 615401.

gnomAD v4.1: 1 of 1,611,140 alleles (0.000062%); highest among the groups gnomAD compares: Non-Finnish European, 0.000085%; no homozygotes.

Submission:

Labcorp Genetics (formerly Invitae), Labcorp
Classification: Uncertain significance for Severe combined immunodeficiency due to CORO1A deficiency. Last evaluated: 2019-01-22. Review status: criteria provided, single submitter. Criteria: Invitae Variant Classification Sherloc (09022015). Collection method: clinical testing. Allele origin: germline.
Comment: This sequence change replaces aspartic acid with glutamic acid at codon 113 of the CORO1A protein (p.Asp113Glu). The aspartic acid residue is moderately conserved and there is a small physicochemical difference between aspartic acid and glutamic acid. This variant is not present in population databases (ExAC no frequency). This variant has not been reported in the literature in individuals with CORO1A-related conditions. Algorithms developed to predict the effect of missense changes on protein structure and function (SIFT, PolyPhen-2, Align-GVGD) all suggest that this variant is likely to be tolerated, but these predictions have not been confirmed by published functional studies and their clinical significance is uncertain. In summary, the available evidence is currently insufficient to determine the role of this variant in disease. Therefore, it has been classified as a Variant of Uncertain Significance.